The following is an entry in ClinVar:

GRCh37/hg19 9q34.3(chr9:137880493-138781516)x3

Genes: CAMSAP1 (calmodulin regulated spectrin associated protein 1; minus strand), GLT6D1 (glycosyltransferase 6 domain containing 1; minus strand), KCNT1 (potassium sodium-activated channel subfamily T member 1; plus strand), LCN1 (lipocalin 1; plus strand), LCN9 (lipocalin 9; plus strand) and 8 more. Cytogenetic location: 9q34.3.
Variant type: copy number gain.
Change: copy number 3 (three copies instead of two) of chr9:137,880,493-138,781,516 (901.0 kb, GRCh37 coordinates, 1-based), cytogenetic band 9q34.3.
Identifiers: ClinVar variation 929394 (VCV000929394.2).

ClinVar aggregate classification (germline): Uncertain significance (1 of 4 stars; one submission).

Submission:

Clinical Genomics Laboratory, Laboratory for Precision Diagnostics, University of Washington
Classification: Uncertain significance. Last evaluated: 2019-07-23. Review status: criteria provided, single submitter. Criteria: Clinical Cytogenomics Laboratory Policy on CNV Interpretation. Collection method: clinical testing. Allele origin: unknown. Affected: yes. Observed: 1 variant allele.